The following is an entry in ClinVar:

NM_001371623.1(TCOF1):c.1267G>A (p.Ala423Thr)

Gene: TCOF1 (treacle ribosome biogenesis factor 1; plus strand). Cytogenetic location: 5q32.
Variant type: single nucleotide variant.
Coding change: c.1267G>A on transcript NM_001371623.1 (MANE Select); coding-DNA position 1267, G replaced by A.
Protein change: p.Ala423Thr; replaces alanine 423 with threonine.
Molecular consequence: missense variant.
Genome position (GRCh38, 1-based): chr5:150,374,800, G>A. VCF-style: chr5-150374800-G-A. GRCh37 (hg19) VCF-style: chr5-149754363-G-A.
Other names: c.1036G>A, p.Ala346Thr (NM_000356.4, NM_001135245.2); c.1267G>A, p.Ala423Thr (NM_001008657.3, NM_001135243.2, NM_001135244.2 and 1 more transcripts); short protein forms A346T, A423T.
Identifiers: ClinVar variation 3378234 (VCV003378234.1).
Genomic context (GRCh38, chr5:150,374,800, plus strand): 5'-GCGGGGAAGCGGGAGGAGGACTCGCAGAGCAGCAGCGAGGAATCGGACAGTGAGGAGGAG[G>A]CGCCTGCTCAGGTGAGGCAGAGGGGAGGGGTGGAGAGTAGCCCCATGCCTAAACCCCAGC-3'
Protein context (NP_001358552.1, residues 413-433): SSEESDSEEE[Ala423Thr]PAQAKPSGKA

ClinVar aggregate classification (germline): Uncertain significance (1 of 4 stars; one submission).

Submission:

GeneDx
Classification: Uncertain significance. Last evaluated: 2024-05-13. Review status: criteria provided, single submitter. Criteria: GeneDx Variant Classification Process June 2021. Collection method: clinical testing. Allele origin: germline. Affected: yes.
Comment: In silico analysis indicates that this missense variant does not alter protein structure/function; Has not been previously published as pathogenic or benign to our knowledge